The following is an entry in ClinVar:

NM_130384.3(ATRIP):c.1689G>T (p.Gln563His)

Genes: ATRIP (ATR interacting protein; plus strand), ATRIP-TREX1 (ATRIP-TREX1 readthrough; plus strand). Cytogenetic location: 3p21.31.
Variant type: single nucleotide variant.
Coding change: c.1689G>T on transcript NM_130384.3 (MANE Select); coding-DNA position 1689, G replaced by T.
Protein change: p.Gln563His; replaces glutamine 563 with histidine.
Molecular consequence: missense variant. On other transcripts: non-coding transcript variant (1).
Genome position (GRCh38, 1-based): chr3:48,460,743, G>T. VCF-style: chr3-48460743-G-T. GRCh37 (hg19) VCF-style: chr3-48502142-G-T.
Other names: c.1308G>T, p.Gln436His (NM_001271022.2); c.1410G>T, p.Gln470His (NM_001271023.2); c.1689G>T, p.Gln563His (NM_032166.4); short protein forms Q563H, Q436H, Q470H.
Identifiers: ClinVar variation 4182702 (VCV004182702.1).
Genomic context (GRCh38, chr3:48,460,743, plus strand): 5'-TCACCTGTTGGCTTTCTCTTCTGCAGCAACAGGTCACCTTCAAGCCAGTGTCCTGACCCA[G>T]TGCCTTAAGGTTTTGGTGAAATTAGCCGAAAACACTTCCTGTGATTTCTTGCCCAGGTAT-3'
Protein context (NP_569055.1, residues 553-573): TGHLQASVLT[Gln563His]CLKVLVKLAE

ClinVar aggregate classification (germline): Uncertain significance (1 of 4 stars; one submission).

Submission:

Ambry Genetics
Classification: Uncertain significance. Last evaluated: 2025-08-30. Review status: criteria provided, single submitter. Criteria: Ambry Variant Classification Scheme 2023. Collection method: clinical testing. Allele origin: germline.
Comment: The p.Q563H variant (also known as c.1689G>T), located in coding exon 8 of the ATRIP gene, results from a G to T substitution at nucleotide position 1689. The glutamine at codon 563 is replaced by histidine, an amino acid with highly similar properties. This amino acid position is conserved. In addition, this alteration is predicted to be tolerated by in silico analysis. Based on the available evidence, the clinical significance of this variant remains unclear.